The following is an entry in ClinVar:

ClinVar aggregate classification (germline): Pathogenic (1 of 4 stars; one submission).

Submission:

Labcorp Genetics (formerly Invitae), Labcorp
Classification: Pathogenic. Last evaluated: 2023-12-15. Review status: criteria provided, single submitter. Criteria: Invitae Variant Classification Sherloc (09022015). Collection method: clinical testing. Allele origin: unknown.
Comment: This variant is a gross deletion of the genomic region encompassing exon(s) 2-4 of the SLC9A1 gene. This variant would be expected to be in-frame, preserving the integrity of the reading frame. This variant has not been reported in the literature in individuals affected with SLC9A1-related conditions. This variant disrupts a region of the SLC9A1 protein in which other variant(s) (p.Gly305Arg) have been determined to be pathogenic (PMID: 25205112). This suggests that this is a clinically significant region of the protein, and that variants that disrupt it are likely to be disease-causing. For these reasons, this variant has been classified as Pathogenic.

Literature cited by the submitters: PubMed 25205112.

NC_000001.10:g.(?_27434119)_(27440797_?)del

Gene: SLC9A1 (solute carrier family 9 member A1; minus strand). Cytogenetic location: 1p36.11.
Variant type: Deletion.
Identifiers: ClinVar variation 3247945 (VCV003247945.1).